The following is an entry in ClinVar:

NM_014336.5(AIPL1):c.572T>C (p.Leu191Pro)

Gene: AIPL1 (AIP like 1 HSP90 co-chaperone; minus strand). Cytogenetic location: 17p13.2.
Variant type: single nucleotide variant.
Coding change: c.572T>C on transcript NM_014336.5 (MANE Select); coding-DNA position 572, T replaced by C.
Protein change: p.Leu191Pro; replaces leucine 191 with proline.
Molecular consequence: missense variant.
Genome position (GRCh38, 1-based): chr17:6,426,951, A>G on the plus strand (T>C on the coding strand, the complement: AIPL1 is on the minus strand). VCF-style: chr17-6426951-A-G. GRCh37 (hg19) VCF-style: chr17-6330271-A-G.
Other names: c.383T>C, p.Leu128Pro (NM_001033054.3); c.392T>C, p.Leu131Pro (NM_001033055.3); c.536T>C, p.Leu179Pro (NM_001285399.3); c.506T>C, p.Leu169Pro (NM_001285400.3); c.572T>C, p.Leu191Pro (NM_001285401.3); c.455T>C, p.Leu152Pro (NM_001285402.2); c.548T>C, p.Leu183Pro (NM_001285403.4); short protein forms L128P, L179P, L191P, L131P, L183P, L152P, L169P.
Identifiers: ClinVar variation 2736406 (VCV002736406.4), dbSNP rs1567637144, ClinGen allele CA397395475.

ClinVar aggregate classification (germline): Conflicting classifications of pathogenicity. Review status: criteria provided, conflicting classifications (1 of 4 stars). 2 submissions from 2 submitters: Pathogenic (1); Uncertain significance (1). Last evaluated 2023-11-04.

Conditions:
Leber congenital amaurosis 4 (LCA4). Identifiers: MedGen C1858386, MONDO:0011458, OMIM 604393.

Allele frequency attached by ClinVar (database versions not stated): gnomAD exomes below 0.00001.
gnomAD v4.1: 1 of 1,614,216 alleles (0.000062%); highest among the groups gnomAD compares: East Asian, 0.0022%; no homozygotes.

Submissions (2):

Labcorp Genetics (formerly Invitae), Labcorp
Classification: Pathogenic for Leber congenital amaurosis 4. Last evaluated: 2023-11-04. Review status: criteria provided, single submitter. Criteria: Invitae Variant Classification Sherloc (09022015). Collection method: clinical testing. Allele origin: germline.
Comment: This sequence change replaces leucine, which is neutral and non-polar, with proline, which is neutral and non-polar, at codon 191 of the AIPL1 protein (p.Leu191Pro). This variant is not present in population databases (gnomAD no frequency). This missense change has been observed in individual(s) with autosomal recessive Leber congenital amaurosis (PMID: 26047050, 31703130). In at least one individual the data is consistent with being in trans (on the opposite chromosome) from a pathogenic variant. It has also been observed to segregate with disease in related individuals. Advanced modeling of protein sequence and biophysical properties (such as structural, functional, and spatial information, amino acid conservation, physicochemical variation, residue mobility, and thermodynamic stability) performed at Invitae indicates that this missense variant is not expected to disrupt AIPL1 protein function with a negative predictive value of 80%. For these reasons, this variant has been classified as Pathogenic.

Blueprint Genetics
Classification: Uncertain significance. Last evaluated: 2021-12-28. Review status: criteria provided, single submitter. Criteria: ACMG Guidelines, 2015. Collection method: clinical testing. Allele origin: germline.

Literature cited by the submitters: PubMed 26047050 (cited by Labcorp Genetics (formerly Invitae), Labcorp); PubMed 31703130 (cited by Labcorp Genetics (formerly Invitae), Labcorp).